The following is an entry in ClinVar:

ClinVar aggregate classification (germline): Conflicting classifications of pathogenicity. Review status: criteria provided, conflicting classifications (1 of 4 stars). 4 submissions from 4 submitters: Uncertain significance (2); Likely benign (1). 1 of the submissions does not count toward it. Last evaluated 2025-06-20.

Conditions:
MC4R-related disorder. Also called: MC4R-related condition.
Obesity. Also called: Obesity disorder. Identifiers: Orphanet 71529, MedGen C0028754, MeSH D009765, MONDO:0011122, HP:0001513.

Allele frequency attached by ClinVar (database versions not stated): ExAC 0.00007; gnomAD 0.00011; TOPMed 0.00014; ESP Exome Variant Server 0.00015.
gnomAD v4.1: 217 of 1,614,036 alleles (0.013%); highest among the groups gnomAD compares: Non-Finnish European, 0.018%; no homozygotes.

Submissions (4):

Labcorp Genetics (formerly Invitae), Labcorp
Classification: Likely benign. Last evaluated: 2025-06-20. Review status: criteria provided, single submitter. Criteria: Invitae Variant Classification Sherloc (09022015). Collection method: clinical testing. Allele origin: germline.

Illumina Laboratory Services, Illumina
Classification: Uncertain significance for Inherited obesity. Last evaluated: 2017-04-27. Review status: criteria provided, single submitter. Criteria: ICSL Variant Classification Criteria 13 December 2019. Collection method: clinical testing. Allele origin: germline.

Genetic Services Laboratory, University of Chicago
Classification: Uncertain significance. Last evaluated: 2015-06-01. Review status: criteria provided, single submitter. Criteria: ACMG Guidelines, 2015. Collection method: clinical testing. Allele origin: germline.

PreventionGenetics, part of Exact Sciences
Classification: Likely benign for MC4R-related condition. Last evaluated: 2019-07-11. Review status: no assertion criteria provided. Collection method: clinical testing. Allele origin: germline. Not counted in ClinVar's aggregate classification.
Comment: This variant is classified as likely benign based on ACMG/AMP sequence variant interpretation guidelines (Richards et al. 2015 PMID: 25741868, with internal and published modifications).

NM_005912.3(MC4R):c.972C>T (p.Gly324=)

Gene: MC4R (melanocortin 4 receptor; minus strand). Cytogenetic location: 18q21.32.
Variant type: single nucleotide variant.
Coding change: c.972C>T on transcript NM_005912.3 (MANE Select); coding-DNA position 972, C replaced by T.
Protein change: p.Gly324=; no amino-acid change (glycine 324 retained).
Molecular consequence: synonymous variant.
Genome position (GRCh38, 1-based): chr18:60,371,378, G>A on the plus strand (C>T on the coding strand, the complement: MC4R is on the minus strand). VCF-style: chr18-60371378-G-A. GRCh37 (hg19) VCF-style: chr18-58038611-G-A.
Identifiers: ClinVar variation 211443 (VCV000211443.14), dbSNP rs150448918, ClinGen allele CA206129.